The following is an entry in ClinVar:

NM_033087.4(ALG2):c.679C>G (p.Leu227Val)

Gene: ALG2 (ALG2 alpha-1,3/1,6-mannosyltransferase; minus strand). Cytogenetic location: 9q22.33.
Variant type: single nucleotide variant.
Coding change: c.679C>G on transcript NM_033087.4 (MANE Select); coding-DNA position 679, C replaced by G.
Protein change: p.Leu227Val; replaces leucine 227 with valine.
Molecular consequence: missense variant. On other transcripts: non-coding transcript variant (1).
Genome position (GRCh38, 1-based): chr9:99,218,506, G>C on the plus strand (C>G on the coding strand, the complement: ALG2 is on the minus strand). VCF-style: chr9-99218506-G-C. GRCh37 (hg19) VCF-style: chr9-101980788-G-C.
Other names: short protein forms L227V.
Identifiers: ClinVar variation 1371137 (VCV001371137.8), dbSNP rs1308983324, ClinGen allele CA374228374.

ClinVar aggregate classification (germline): Uncertain significance (1 of 4 stars; one submission).

Conditions:
Congenital disorder of glycosylation, type Ii. Also called: ALG2-congenital disorder of glycosylation; ALG2-CDG; CDG Ii. Identifiers: Orphanet 79326, MedGen C1842836, MONDO:0011933, OMIM 607906.
Congenital myasthenic syndrome 14. Also called: Myasthenic syndrome, congenital, 14, with tubular aggregates. Identifiers: Orphanet 353327, Orphanet 590, MedGen C4015597, MONDO:0014543, OMIM 616228.

Allele frequency attached by ClinVar (database versions not stated): gnomAD exomes below 0.00001.
gnomAD v4.1: 2 of 1,614,200 alleles (0.00012%); highest among the groups gnomAD compares: Non-Finnish European, 0.00017%; no homozygotes.

Submission:

Labcorp Genetics (formerly Invitae), Labcorp
Classification: Uncertain significance for Congenital disorder of glycosylation, type Ii; Congenital myasthenic syndrome 14. Last evaluated: 2021-05-28. Review status: criteria provided, single submitter. Criteria: Invitae Variant Classification Sherloc (09022015). Collection method: clinical testing. Allele origin: germline.
Comment: Algorithms developed to predict the effect of missense changes on protein structure and function output the following: SIFT: "Tolerated"; PolyPhen-2: "Benign"; Align-GVGD: "Class C0". The valine amino acid residue is found in multiple mammalian species, suggesting that this missense change does not adversely affect protein function. These predictions have not been confirmed by published functional studies and their clinical significance is uncertain. In summary, the available evidence is currently insufficient to determine the role of this variant in disease. Therefore, it has been classified as a Variant of Uncertain Significance. This sequence change replaces leucine with valine at codon 227 of the ALG2 protein (p.Leu227Val). The leucine residue is moderately conserved and there is a small physicochemical difference between leucine and valine. This variant is not present in population databases (ExAC no frequency). This variant has not been reported in the literature in individuals with ALG2-related conditions.